The following is an entry in ClinVar:

ClinVar aggregate classification (germline): Benign. Review status: criteria provided, multiple submitters, no conflicts (2 of 4 stars). 2 submissions from 2 submitters: Benign (2). Last evaluated 2018-06-17.

Allele frequency attached by ClinVar (database versions not stated): gnomAD exomes 0.18533 and 0.19615; ExAC 0.25986; gnomAD 0.28992 and 0.29801; ESP Exome Variant Server 0.30155; TOPMed 0.30543; 1000 Genomes Project 0.31170; 1000 Genomes Project 30x 0.31949.
gnomAD v4.1: 294,839 of 1,498,326 alleles (20%); highest among the groups gnomAD compares: African/African-American, 59%; 35,663 homozygotes.

Submissions (2):

GeneDx
Classification: Benign. Last evaluated: 2018-06-17. Review status: criteria provided, single submitter. Criteria: GeneDx Variant Classification (06012015). Collection method: clinical testing. Allele origin: germline. Affected: yes.
Comment: This variant is considered likely benign or benign based on one or more of the following criteria: it is a conservative change, it occurs at a poorly conserved position in the protein, it is predicted to be benign by multiple in silico algorithms, and/or has population frequency not consistent with disease.

Breakthrough Genomics
Classification: Benign. Review status: criteria provided, single submitter. Criteria: ACMG Guidelines, 2015. Collection method: not provided. Allele origin: germline. Inheritance: Autosomal recessive inheritance. Affected: yes.

NM_001199397.3(NEK1):c.1833+40G>A

Gene: NEK1 (NIMA related kinase 1; minus strand). Cytogenetic location: 4q33.
Variant type: single nucleotide variant.
Coding change: c.1833+40G>A on transcript NM_001199397.3 (MANE Select); 40 bases into the intron after coding-DNA position 1833, G replaced by A.
Molecular consequence: intron variant.
Genome position (GRCh38, 1-based): chr4:169,508,208, C>T on the plus strand (G>A on the coding strand, the complement: NEK1 is on the minus strand). VCF-style: chr4-169508208-C-T. GRCh37 (hg19) VCF-style: chr4-170429359-C-T.
Other names: c.1623+40G>A (NM_001374421.1); c.1698+40G>A (NM_001374420.1); c.1542+40G>A (NM_001199399.3); c.1701+40G>A (NM_001199398.3); c.1749+40G>A (NM_001374419.1, NM_012224.4); c.1617+40G>A (NM_001199400.3); c.1833+40G>A (NM_001374418.1).
Identifiers: ClinVar variation 674994 (VCV000674994.2), dbSNP rs66509122, ClinGen allele CA3137617.